The following is an entry in ClinVar:

ClinVar aggregate classification (germline): Pathogenic (1 of 4 stars; one submission).

Conditions:
Neuronal ceroid lipofuscinosis 2. Also called: TPP1-Related Neuronal Ceroid-Lipofuscinosis; JANSKY-BIELSCHOWSKY DISEASE NEURONAL CEROID LIPOFUSCINOSIS, LATE INFANTILE. Identifiers: Orphanet 168491, Orphanet 228349, Orphanet 79264, MedGen C1876161, MONDO:0008769, OMIM 204500.

Submission:

Human Genome Lab, NIMHANS, National Institute of Mental Health and Neuro Sciences
Classification: Pathogenic for Neuronal ceroid lipofuscinosis 2. Review status: criteria provided, single submitter. Criteria: ACMG Guidelines, 2015. Collection method: clinical testing. Allele origin: germline. Inheritance: Autosomal recessive inheritance. Affected: yes. Observed: 1 homozygote.
Comment: The frameshift insertion NM_000391.4:c.182_184delinsC has not been reported previously as a pathogenic variant nor as a benign variant, to our knowledge. The NP_000382.3:p.Leu61Profs*26 variant is novel (not in any individuals) in 1kG All, in gnomAD as well as in our inhouse database. This variant is predicted to cause loss of normal protein function through protein truncation caused by the frameshift mutation or such an mRNA is predicted to undergo nonsense mediated decay. The frame shifted sequence continues 26 residues until a stop codon is reached. This variant is a frameshift variant which occurs in an exon of TPP1 upstream of where nonsense mediated decay is predicted to occur. There are 105 downstream pathogenic loss of function variants, with the furthest variant being 499 residues downstream of this variant. This indicates that the region is critical to protein function. The p.Leu61Profs*26 variant is a loss of function variant in the gene TPP1, which is intolerant of Loss of Function variants, as indicated by the presence of existing pathogenic loss of function variant NP_000382.3:p.K18* and 58 others. In addition, the patient's phenotype matches with that of the disorder caused by pathogenic variants in TPP1. For these reasons, this variant has been classified as Pathogenic (PM2 PVS1 PP4_Moderate).

NM_000391.4(TPP1):c.182_184delinsC (p.Leu61fs)

Gene: TPP1 (tripeptidyl peptidase 1; minus strand). Cytogenetic location: 11p15.4.
Variant type: Indel.
Coding change: c.182_184delinsC on transcript NM_000391.4 (MANE Select); coding-DNA positions 182 to 184, TCT replaced by C.
Protein change: p.Leu61fs; shifts the reading frame from leucine 61.
Molecular consequence: frameshift variant.
Genome position (GRCh38, 1-based): chr11:6,618,821-6,618,823, AGA replaced by G on the plus strand (TCT replaced by C on the coding strand, the reverse complement: TPP1 is on the minus strand). VCF-style: chr11-6618821-AGA-G. GRCh37 (hg19) VCF-style: chr11-6640052-AGA-G.
Other names: short protein forms L61fs.
Identifiers: ClinVar variation 2627616 (VCV002627616.2), dbSNP rs2493801988, ClinGen allele CA2582341858.